The following is an entry in ClinVar:

NM_025077.4(TOE1):c.776G>A (p.Arg259Gln)

Gene: TOE1 (target of EGR1, exonuclease; plus strand). Cytogenetic location: 1p34.1.
Variant type: single nucleotide variant.
Coding change: c.776G>A on transcript NM_025077.4 (MANE Select); coding-DNA position 776, G replaced by A.
Protein change: p.Arg259Gln; replaces arginine 259 with glutamine.
Molecular consequence: missense variant.
Genome position (GRCh38, 1-based): chr1:45,342,866, G>A. VCF-style: chr1-45342866-G-A. GRCh37 (hg19) VCF-style: chr1-45808538-G-A.
Other names: c.776G>A (NM_025077.3); short protein forms R259Q.
Identifiers: ClinVar variation 1408651 (VCV001408651.8), dbSNP rs144829269, ClinGen allele CA826685.

ClinVar aggregate classification (germline): Conflicting classifications of pathogenicity. Review status: criteria provided, conflicting classifications (1 of 4 stars). 3 submissions from 3 submitters: Uncertain significance (1); Likely benign (1). 1 of the submissions does not count toward it. Last evaluated 2024-11-11.

Conditions:
TOE1-related disorder. Also called: TOE1-related condition.
Inborn genetic diseases. Identifiers: MedGen C0950123, MeSH D030342.

Allele frequency attached by ClinVar (database versions not stated): TOPMed 0.00005; gnomAD 0.00006 and 0.00011; ESP Exome Variant Server 0.00008; gnomAD exomes 0.00020; ExAC 0.00022.
gnomAD v4.1: 297 of 1,613,938 alleles (0.018%); highest among the groups gnomAD compares: South Asian, 0.16%; no homozygotes.

Submissions (3):

Labcorp Genetics (formerly Invitae), Labcorp
Classification: Uncertain significance. Last evaluated: 2024-11-11. Review status: criteria provided, single submitter. Criteria: Invitae Variant Classification Sherloc (09022015). Collection method: clinical testing. Allele origin: germline.
Comment: This sequence change replaces arginine, which is basic and polar, with glutamine, which is neutral and polar, at codon 259 of the TOE1 protein (p.Arg259Gln). This variant is present in population databases (rs144829269, gnomAD 0.2%). This variant has not been reported in the literature in individuals affected with TOE1-related conditions. ClinVar contains an entry for this variant (Variation ID: 1408651). Invitae Evidence Modeling of protein sequence and biophysical properties (such as structural, functional, and spatial information, amino acid conservation, physicochemical variation, residue mobility, and thermodynamic stability) indicates that this missense variant is not expected to disrupt TOE1 protein function with a negative predictive value of 80%. In summary, the available evidence is currently insufficient to determine the role of this variant in disease. Therefore, it has been classified as a Variant of Uncertain Significance.

Ambry Genetics
Classification: Likely benign for Inborn genetic diseases. Last evaluated: 2022-06-09. Review status: criteria provided, single submitter. Criteria: Ambry Variant Classification Scheme 2023. Collection method: clinical testing. Allele origin: germline.

PreventionGenetics, part of Exact Sciences
Classification: Likely benign for TOE1-related condition. Last evaluated: 2024-01-23. Review status: no assertion criteria provided. Collection method: clinical testing. Allele origin: germline. Not counted in ClinVar's aggregate classification.
Comment: This variant is classified as likely benign based on ACMG/AMP sequence variant interpretation guidelines (Richards et al. 2015 PMID: 25741868, with internal and published modifications).